The following is an entry in ClinVar:

ClinVar aggregate classification (germline): Uncertain significance (1 of 4 stars; one submission).

Submission:

Labcorp Genetics (formerly Invitae), Labcorp
Classification: Uncertain significance. Last evaluated: 2021-05-13. Review status: criteria provided, single submitter. Criteria: Invitae Variant Classification Sherloc (09022015). Collection method: clinical testing. Allele origin: germline.
Comment: This sequence change replaces glutamine with leucine at codon 2061 of the POLE protein (p.Gln2061Leu). The glutamine residue is moderately conserved and there is a moderate physicochemical difference between glutamine and leucine. This variant is not present in population databases (ExAC no frequency). This variant has not been reported in the literature in individuals with POLE-related conditions. Algorithms developed to predict the effect of missense changes on protein structure and function are either unavailable or do not agree on the potential impact of this missense change (SIFT: "Tolerated"; PolyPhen-2: "Benign"; Align-GVGD: "Class C25"). In summary, the available evidence is currently insufficient to determine the role of this variant in disease. Therefore, it has been classified as a Variant of Uncertain Significance.

NM_006231.4(POLE):c.6182A>T (p.Gln2061Leu)

Gene: POLE (DNA polymerase epsilon, catalytic subunit; minus strand). Cytogenetic location: 12q24.33.
Variant type: single nucleotide variant.
Coding change: c.6182A>T on transcript NM_006231.4 (MANE Select); coding-DNA position 6182, A replaced by T.
Protein change: p.Gln2061Leu; replaces glutamine 2061 with leucine.
Molecular consequence: missense variant.
Genome position (GRCh38, 1-based): chr12:132,632,463, T>A on the plus strand (A>T on the coding strand, the complement: POLE is on the minus strand). VCF-style: chr12-132632463-T-A. GRCh37 (hg19) VCF-style: chr12-133209049-T-A.
Other names: short protein forms Q2061L.
Identifiers: ClinVar variation 1427342 (VCV001427342.8), dbSNP rs2138461044, ClinGen allele CA387369859.